The following is an entry in ClinVar:

ClinVar aggregate classification (germline): Uncertain significance (1 of 4 stars; one submission).

Conditions:
Neurodevelopmental disorder. Identifiers: MedGen C1535926, MeSH D065886, MONDO:0700092.

gnomAD v4.1: 2 of 1,439,742 alleles (0.00014%); highest among the groups gnomAD compares: Non-Finnish European, 0.00018%; no homozygotes.

Submission:

Broad Center for Mendelian Genomics, Broad Institute of MIT and Harvard
Classification: Uncertain significance for Neurodevelopmental disorder. Last evaluated: 2024-06-19. Review status: criteria provided, single submitter. Criteria: ACMG Guidelines, 2015. Collection method: curation. Allele origin: germline. Inheritance: Autosomal recessive inheritance. Study: GREGoR Consortium.
Comment: While this gene is still lacking sufficient evidence to establish a gene-disease relationship, we believe this is a possible novel gene candidate for neurodevelopmental disorders. Given the limited information about this gene-disease relationship, the significance of the p.Gly145Cys variant is uncertain. If you have any additional information about functional evidence or other individuals with this phenotype that also have variants in NFE2L3 we encourage you to reach out to us.

NM_004289.7(NFE2L3):c.433G>T (p.Gly145Cys)

Gene: NFE2L3 (NFE2 like bZIP transcription factor 3; plus strand). Cytogenetic location: 7p15.2.
Variant type: single nucleotide variant.
Coding change: c.433G>T on transcript NM_004289.7 (MANE Select); coding-DNA position 433, G replaced by T.
Protein change: p.Gly145Cys; replaces glycine 145 with cysteine.
Molecular consequence: missense variant.
Genome position (GRCh38, 1-based): chr7:26,152,931, G>T. VCF-style: chr7-26152931-G-T. GRCh37 (hg19) VCF-style: chr7-26192551-G-T.
Other names: NM_004289.7:c.433G>T; short protein forms G145C.
Identifiers: ClinVar variation 3252062 (VCV003252062.1), dbSNP rs963731881.